The following is an entry in ClinVar:

ClinVar aggregate classification (germline): Conflicting classifications of pathogenicity. Review status: criteria provided, conflicting classifications (1 of 4 stars). 4 submissions from 4 submitters: Uncertain significance (1); Likely benign (3). Last evaluated 2026-03-31.

Conditions:
KBG syndrome (KBGS). Also called: ANKRD11-Related KBG Syndrome. Identifiers: Orphanet 2332, MedGen C0220687, MONDO:0007846, OMIM 148050.
Inborn genetic diseases. Identifiers: MedGen C0950123, MeSH D030342.

Allele frequency attached by ClinVar (database versions not stated): ExAC 0.00002.
gnomAD v4.1: 16 of 1,585,654 alleles (0.001%); highest among the groups gnomAD compares: East Asian, 0.0045%; no homozygotes.

Submissions (4):

Ambry Genetics
Classification: Likely benign for Inborn genetic diseases. Last evaluated: 2026-03-31. Review status: criteria provided, single submitter. Criteria: Ambry Variant Classification Scheme 2023. Collection method: clinical testing. Allele origin: germline.

Blueprint Genetics
Classification: Likely benign. Last evaluated: 2022-05-04. Review status: criteria provided, single submitter. Criteria: ACMG Guidelines, 2015. Collection method: clinical testing. Allele origin: germline.

Revvity Omics, Revvity
Classification: Uncertain significance for KBG syndrome. Last evaluated: 2021-09-09. Review status: criteria provided, single submitter. Criteria: ACMG Guidelines, 2015. Collection method: clinical testing. Allele origin: germline.

Genetic Services Laboratory, University of Chicago
Classification: Likely benign. Last evaluated: 2020-03-02. Review status: criteria provided, single submitter. Criteria: ACMG Guidelines, 2015. Collection method: clinical testing. Allele origin: germline. Affected: no.
Comment: DNA sequence analysis of the ANKRD11 gene demonstrated a sequence change, c.6218C>T, in exon 9 that results in an amino acid change, p.Pro2073Leu. This sequence change does not appear to have been previously described in patients with ANKRD11-related disorders and has been described in the gnomAD database with a low population frequency of 0.012% in the East Asian subpopulation (dbSNP rs770387752). The p.Pro2073Leu change affects a moderately conserved amino acid residue located in a domain of the ANKRD11 protein that is not known to be functional. In-silico pathogenicity prediction tools (SIFT, PolyPhen2, Align GVGD, REVEL) provide contradictory results for the p.Pro2073Leu substitution. Heterozygous pathogenic variants in ANKRD11 have been identified in patients with KBG syndrome which is characterized by macrodontia of the upper central incisors, distinctive craniofacial findings, short stature, skeletal anomalies, and neurologic involvement that includes global developmental delay, seizures, and intellectual disability (OMIM#148050). The presence of the above sequence change in a phenotypically normal individual is indicative of this sequence change being a likely benign sequence change.

NM_013275.6(ANKRD11):c.6218C>T (p.Pro2073Leu)

Gene: ANKRD11 (ankyrin repeat domain 11; minus strand). Cytogenetic location: 16q24.3.
Variant type: single nucleotide variant.
Coding change: c.6218C>T on transcript NM_013275.6 (MANE Select); coding-DNA position 6218, C replaced by T.
Protein change: p.Pro2073Leu; replaces proline 2073 with leucine.
Molecular consequence: missense variant.
Genome position (GRCh38, 1-based): chr16:89,280,324, G>A on the plus strand (C>T on the coding strand, the complement: ANKRD11 is on the minus strand). VCF-style: chr16-89280324-G-A. GRCh37 (hg19) VCF-style: chr16-89346732-G-A.
Other names: c.6218C>T (NM_013275.4); c.6218C>T, p.Pro2073Leu (NM_001256182.2, NM_001256183.2); short protein forms P2073L.
Identifiers: ClinVar variation 1337348 (VCV001337348.9), dbSNP rs770387752, ClinGen allele CA8241529.